The following is an entry in ClinVar:

ClinVar aggregate classification (germline): Uncertain significance (1 of 4 stars; one submission).

Allele frequency attached by ClinVar (database versions not stated): gnomAD exomes 0.00001 and 0.00002; ExAC 0.00002; gnomAD 0.00002; TOPMed 0.00003.
gnomAD v4.1: 26 of 1,614,024 alleles (0.0016%); highest among the groups gnomAD compares: Admixed American, 0.0033%; no homozygotes.

Submission:

Labcorp Genetics (formerly Invitae), Labcorp
Classification: Uncertain significance. Last evaluated: 2023-12-11. Review status: criteria provided, single submitter. Criteria: Invitae Variant Classification Sherloc (09022015). Collection method: clinical testing. Allele origin: germline.
Comment: This sequence change replaces aspartic acid, which is acidic and polar, with asparagine, which is neutral and polar, at codon 2669 of the LAMA1 protein (p.Asp2669Asn). This variant is present in population databases (rs770713306, gnomAD 0.004%). This variant has not been reported in the literature in individuals affected with LAMA1-related conditions. ClinVar contains an entry for this variant (Variation ID: 1402619). Advanced modeling of protein sequence and biophysical properties (such as structural, functional, and spatial information, amino acid conservation, physicochemical variation, residue mobility, and thermodynamic stability) performed at Invitae indicates that this missense variant is not expected to disrupt LAMA1 protein function with a negative predictive value of 80%. In summary, the available evidence is currently insufficient to determine the role of this variant in disease. Therefore, it has been classified as a Variant of Uncertain Significance.

NM_005559.4(LAMA1):c.8005G>A (p.Asp2669Asn)

Genes: LAMA1 (laminin subunit alpha 1; minus strand), LOC101927188 (uncharacterized LOC101927188; plus strand). Cytogenetic location: 18p11.31.
Variant type: single nucleotide variant.
Coding change: c.8005G>A on transcript NM_005559.4 (MANE Select); coding-DNA position 8005, G replaced by A.
Protein change: p.Asp2669Asn; replaces aspartic acid 2669 with asparagine.
Molecular consequence: missense variant. On other transcripts: non-coding transcript variant (1).
Genome position (GRCh38, 1-based): chr18:6,956,725, C>T on the plus strand (G>A on the coding strand, the complement: LAMA1 is on the minus strand). VCF-style: chr18-6956725-C-T. GRCh37 (hg19) VCF-style: chr18-6956724-C-T.
Other names: short protein forms D2669N.
Identifiers: ClinVar variation 1402619 (VCV001402619.6), dbSNP rs770713306, ClinGen allele CA8880713.